The following is an entry in ClinVar:

ClinVar aggregate classification (germline): Uncertain significance (1 of 4 stars; one submission).

Conditions:
H syndrome. Also called: HISTIOCYTOSIS AND LYMPHADENOPATHY WITH OR WITHOUT CUTANEOUS, CARDIAC, AND/OR ENDOCRINE FEATURES, JOINT CONTRACTURES, AND/OR DEAFNESS; HYPERPIGMENTATION, CUTANEOUS, WITH HYPERTRICHOSIS, HEPATOSPLENOMEGALY, HEART ANOMALIES, AND HYPOGONADISM WITH OR WITHOUT HEARING LOSS; PIGMENTED HYPERTRICHOSIS WITH INSULIN-DEPENDENT DIABETES MELLITUS; ROSAI-DORFMAN DISEASE, FAMILIAL; SINUS HISTIOCYTOSIS AND MASSIVE LYMPHADENOPATHY; Hyperpigmentation, Cutaneous, with Hypertrichosis, Hepatosplenomegaly, Heart Anomalies, Hearing Loss, and Hypogonadism. Identifiers: Orphanet 168569, MedGen C1864445, MONDO:0011273, OMIM 602782.

Submission:

Labcorp Genetics (formerly Invitae), Labcorp
Classification: Uncertain significance for H syndrome. Last evaluated: 2022-05-12. Review status: criteria provided, single submitter. Criteria: Invitae Variant Classification Sherloc (09022015). Collection method: clinical testing. Allele origin: germline.
Comment: This sequence change replaces asparagine, which is neutral and polar, with lysine, which is basic and polar, at codon 228 of the SLC29A3 protein (p.Asn228Lys). In summary, the available evidence is currently insufficient to determine the role of this variant in disease. Therefore, it has been classified as a Variant of Uncertain Significance. Algorithms developed to predict the effect of missense changes on protein structure and function (SIFT, PolyPhen-2, Align-GVGD) all suggest that this variant is likely to be tolerated. This variant has not been reported in the literature in individuals affected with SLC29A3-related conditions. This variant is not present in population databases (gnomAD no frequency).

NM_018344.6(SLC29A3):c.684C>G (p.Asn228Lys)

Gene: SLC29A3 (solute carrier family 29 member 3; plus strand). Cytogenetic location: 10q22.1.
Variant type: single nucleotide variant.
Coding change: c.684C>G on transcript NM_018344.6 (MANE Select); coding-DNA position 684, C replaced by G.
Protein change: p.Asn228Lys; replaces asparagine 228 with lysine.
Molecular consequence: missense variant. On other transcripts: non-coding transcript variant (2).
Genome position (GRCh38, 1-based): chr10:71,356,154, C>G. VCF-style: chr10-71356154-C-G. GRCh37 (hg19) VCF-style: chr10-73115911-C-G.
Other names: c.684C>G, p.Asn228Lys (NM_001174098.2); c.450C>G, p.Asn150Lys (NM_001363518.2); short protein forms N150K, N228K.
Identifiers: ClinVar variation 1990662 (VCV001990662.4), dbSNP rs779405998, ClinGen allele CA377111373.